The following is an entry in ClinVar:

ClinVar aggregate classification (germline): Uncertain significance. Review status: criteria provided, multiple submitters, no conflicts (2 of 4 stars). 2 submissions from 2 submitters: Uncertain significance (2). Last evaluated 2025-06-16.

Conditions:
Brugada syndrome. Also called: Sudden unexplained nocturnal death syndrome; Sudden Unexplained Death Syndrome; Sudden Unexplained Nocturnal Death Syndrome (SUNDS); Sudden unexpected nocturnal death syndrome. Identifiers: Orphanet 130, MedGen C1142166, MONDO:0015263.
Cardiovascular phenotype. Identifiers: MedGen CN230736.

Allele frequency attached by ClinVar (database versions not stated): gnomAD exomes below 0.00001 and 0.00001; TOPMed below 0.00001; gnomAD 0.00001.
gnomAD v4.1: 9 of 1,613,610 alleles (0.00056%); highest among the groups gnomAD compares: Non-Finnish European, 0.00076%; no homozygotes.

Submissions (2):

Labcorp Genetics (formerly Invitae), Labcorp
Classification: Uncertain significance for Brugada syndrome. Last evaluated: 2025-06-16. Review status: criteria provided, single submitter. Criteria: Invitae Variant Classification Sherloc (09022015). Collection method: clinical testing. Allele origin: germline.
Comment: This sequence change replaces isoleucine, which is neutral and non-polar, with leucine, which is neutral and non-polar, at codon 1097 of the SCN10A protein (p.Ile1097Leu). This variant is present in population databases (no rsID available, gnomAD 0.0009%). This missense change has been observed in individual(s) with atrial fibrillation (PMID: 25691686). This variant is also known as p.Ile999Leu. ClinVar contains an entry for this variant (Variation ID: 532101). Invitae Evidence Modeling of protein sequence and biophysical properties (such as structural, functional, and spatial information, amino acid conservation, physicochemical variation, residue mobility, and thermodynamic stability) indicates that this missense variant is not expected to disrupt SCN10A protein function with a negative predictive value of 95%. In summary, the available evidence is currently insufficient to determine the role of this variant in disease. Therefore, it has been classified as a Variant of Uncertain Significance.

Ambry Genetics
Classification: Uncertain significance for Cardiovascular phenotype. Last evaluated: 2025-05-15. Review status: criteria provided, single submitter. Criteria: Ambry Variant Classification Scheme 2023. Collection method: clinical testing. Allele origin: germline.

Literature cited by the submitters: PubMed 25691686 (cited by Labcorp Genetics (formerly Invitae), Labcorp).

NM_006514.4(SCN10A):c.3289A>C (p.Ile1097Leu)

Genes: SCN10A (sodium voltage-gated channel alpha subunit 10; minus strand), LOC110121288 (VISTA enhancer hs2268; plus strand). Cytogenetic location: 3p22.2.
Variant type: single nucleotide variant.
Coding change: c.3289A>C on transcript NM_006514.4 (MANE Select); coding-DNA position 3289, A replaced by C.
Protein change: p.Ile1097Leu; replaces isoleucine 1097 with leucine.
Molecular consequence: missense variant.
Genome position (GRCh38, 1-based): chr3:38,723,493, T>G on the plus strand (A>C on the coding strand, the complement: SCN10A is on the minus strand). VCF-style: chr3-38723493-T-G. GRCh37 (hg19) VCF-style: chr3-38764984-T-G.
Other names: c.3286A>C, p.Ile1096Leu (NM_001293306.2); c.2995A>C, p.Ile999Leu (NM_001293307.2); c.3289A>C (NM_006514.2); short protein forms I1097L, I1096L, I999L.
Identifiers: ClinVar variation 532101 (VCV000532101.4), dbSNP rs1397301108, ClinGen allele CA352156267.